The following is an entry in ClinVar:

ClinVar aggregate classification (germline): Uncertain significance (1 of 4 stars; one submission).

Conditions:
Cutis laxa, X-linked (OHS). Also called: EDS IX; Occipital horn syndrome. Identifiers: Orphanet 198, MedGen C0268353, MONDO:0010572, OMIM 304150.
X-linked distal spinal muscular atrophy type 3. Also called: ATP7A-Related Distal Motor Neuropathy; SPINAL MUSCULAR ATROPHY, DISTAL, X-LINKED RECESSIVE; NEURONOPATHY, DISTAL HEREDITARY MOTOR, X-LINKED; NEUROPATHY, DISTAL HEREDITARY MOTOR, X-LINKED. Identifiers: Orphanet 139557, MedGen C1845359, MONDO:0010338, OMIM 300489.
Menkes kinky-hair syndrome (MNK). Also called: Classic Menkes Disease; Copper transport disease; Menkes Disease. Identifiers: Orphanet 565, MedGen C0022716, MONDO:0010651, OMIM 309400.

Submission:

Labcorp Genetics (formerly Invitae), Labcorp
Classification: Uncertain significance for X-linked distal spinal muscular atrophy type 3; Cutis laxa, X-linked; Menkes kinky-hair syndrome. Last evaluated: 2024-06-11. Review status: criteria provided, single submitter. Criteria: Invitae Variant Classification Sherloc (09022015). Collection method: clinical testing. Allele origin: germline.
Comment: This sequence change replaces aspartic acid, which is acidic and polar, with glycine, which is neutral and non-polar, at codon 86 of the ATP7A protein (p.Asp86Gly). This variant is not present in population databases (gnomAD no frequency). This variant has not been reported in the literature in individuals affected with ATP7A-related conditions. ClinVar contains an entry for this variant (Variation ID: 1491683). Advanced modeling of protein sequence and biophysical properties (such as structural, functional, and spatial information, amino acid conservation, physicochemical variation, residue mobility, and thermodynamic stability) performed at Invitae indicates that this missense variant is not expected to disrupt ATP7A protein function with a negative predictive value of 95%. In summary, the available evidence is currently insufficient to determine the role of this variant in disease. Therefore, it has been classified as a Variant of Uncertain Significance.

NM_000052.7(ATP7A):c.257A>G (p.Asp86Gly)

Gene: ATP7A (ATPase copper transporting alpha; plus strand). Cytogenetic location: Xq21.1.
Variant type: single nucleotide variant.
Coding change: c.257A>G on transcript NM_000052.7 (MANE Select); coding-DNA position 257, A replaced by G.
Protein change: p.Asp86Gly; replaces aspartic acid 86 with glycine.
Molecular consequence: missense variant.
Genome position (GRCh38, 1-based): chrX:77,988,378, A>G. VCF-style: chrX-77988378-A-G. GRCh37 (hg19) VCF-style: chrX-77243874-A-G.
Other names: c.257A>G, p.Asp86Gly (NM_001282224.2); short protein forms D86G.
Identifiers: ClinVar variation 1491683 (VCV001491683.6), dbSNP rs2149082599, ClinGen allele CA413599208.